The following is an entry in ClinVar:

NM_001130004.2(ACTN1):c.420C>T (p.Ser140=)

Gene: ACTN1 (actinin alpha 1; minus strand). Cytogenetic location: 14q24.1.
Variant type: single nucleotide variant.
Coding change: c.420C>T on transcript NM_001130004.2 (MANE Select); coding-DNA position 420, C replaced by T.
Protein change: p.Ser140=; no amino-acid change (serine 140 retained).
Molecular consequence: synonymous variant. On other transcripts: 5 prime UTR variant (1).
Genome position (GRCh38, 1-based): chr14:68,912,163, G>A on the plus strand (C>T on the coding strand, the complement: ACTN1 is on the minus strand). VCF-style: chr14-68912163-G-A. GRCh37 (hg19) VCF-style: chr14-69378880-G-A.
Other names: c.420C>T, p.Ser140= (NM_001424029.1, NM_001102.4, NM_001130005.2 and 9 more transcripts); c.-491C>T (NM_001424030.1); c.225C>T, p.Ser75= (NM_001411036.1, NM_001424026.1, NM_001424028.1); c.546C>T, p.Ser182= (NM_001424013.1); c.507C>T, p.Ser169= (NM_001424015.1); c.417C>T, p.Ser139= (NM_001424017.1); c.357C>T, p.Ser119= (NM_001424018.1, NM_001424020.1, NM_001424022.1); c.351C>T, p.Ser117= (NM_001424021.1).
Identifiers: ClinVar variation 2967743 (VCV002967743.6), dbSNP rs766033427, ClinGen allele CA7242726.
Genomic context (GRCh38, chr14:68,912,163, plus strand): 5'-CCAGGGAGGGAGACGAGATGGTGATGGCGGGATGGAACAAAGCAGAAACCCACCTTCCAC[G>A]GAGATGTCCTGGATGGCAAAGCGCAGGATGATGGTCCAGATCATGCCCAGGGTCATCTTC-3'
Protein context (NP_001123476.1, residues 130-150): IILRFAIQDI[Ser140=]VEETSAKEGL

ClinVar aggregate classification (germline): Likely benign. Review status: criteria provided, multiple submitters, no conflicts (2 of 4 stars). 3 submissions from 3 submitters: Likely benign (2). 1 of the submissions does not count toward it. Last evaluated 2025-02-16.

Conditions:
ACTN1-related disorder. Also called: ACTN1-related condition.

Allele frequency attached by ClinVar (database versions not stated): ExAC 0.00002; TOPMed 0.00002; gnomAD 0.00003.
gnomAD v4.1: 17 of 1,613,936 alleles (0.0011%); highest among the groups gnomAD compares: African/African-American, 0.0013%; no homozygotes.

Submissions (3):

Laboratory of Genetics, Children's Clinical University Hospital Latvia
Classification: Likely benign. Last evaluated: 2025-02-16. Review status: criteria provided, single submitter. Criteria: ACMG Guidelines, 2015. Collection method: clinical testing. Allele origin: germline. Affected: yes.

Labcorp Genetics (formerly Invitae), Labcorp
Classification: Likely benign. Last evaluated: 2024-01-20. Review status: criteria provided, single submitter. Criteria: Invitae Variant Classification Sherloc (09022015). Collection method: clinical testing. Allele origin: germline.

PreventionGenetics, part of Exact Sciences
Classification: Likely benign for ACTN1-related condition. Last evaluated: 2019-07-15. Review status: no assertion criteria provided. Collection method: clinical testing. Allele origin: germline. Not counted in ClinVar's aggregate classification.
Comment: This variant is classified as likely benign based on ACMG/AMP sequence variant interpretation guidelines (Richards et al. 2015 PMID: 25741868, with internal and published modifications).